The following is an entry in ClinVar:

NM_004444.5(EPHB4):c.781G>A (p.Ala261Thr)

Gene: EPHB4 (EPH receptor B4; minus strand). Cytogenetic location: 7q22.1.
Variant type: single nucleotide variant.
Coding change: c.781G>A on transcript NM_004444.5 (MANE Select); coding-DNA position 781, G replaced by A.
Protein change: p.Ala261Thr; replaces alanine 261 with threonine.
Molecular consequence: missense variant.
Genome position (GRCh38, 1-based): chr7:100,822,298, C>T on the plus strand (G>A on the coding strand, the complement: EPHB4 is on the minus strand). VCF-style: chr7-100822298-C-T. GRCh37 (hg19) VCF-style: chr7-100419920-C-T.
Other names: short protein forms A261T.
Identifiers: ClinVar variation 2450406 (VCV002450406.2), dbSNP rs1376469550, ClinGen allele CA368579670.

ClinVar aggregate classification (germline): Uncertain significance (1 of 4 stars; one submission).

Conditions:
Cardiovascular phenotype. Identifiers: MedGen CN230736.

Allele frequency attached by ClinVar (database versions not stated): gnomAD exomes below 0.00001.

Submission:

Ambry Genetics
Classification: Uncertain significance for Cardiovascular phenotype. Last evaluated: 2022-12-17. Review status: criteria provided, single submitter. Criteria: Ambry Variant Classification Scheme 2023. Collection method: clinical testing. Allele origin: germline.
Comment: The p.A261T variant (also known as c.781G>A), located in coding exon 4 of the EPHB4 gene, results from a G to A substitution at nucleotide position 781. The alanine at codon 261 is replaced by threonine, an amino acid with similar properties. This amino acid position is conserved. In addition, this alteration is predicted to be tolerated by in silico analysis. Since supporting evidence is limited at this time, the clinical significance of this alteration remains unclear.